The following is an entry in ClinVar:

ClinVar aggregate classification (germline): Uncertain significance. Review status: criteria provided, multiple submitters, no conflicts (2 of 4 stars). 2 submissions from 2 submitters: Uncertain significance (2). Last evaluated 2024-11-21.

Conditions:
Inborn genetic diseases. Identifiers: MedGen C0950123, MeSH D030342.
Congenital neutropenia-myelofibrosis-nephromegaly syndrome. Also called: Severe congenital neutropenia 5, autosomal recessive. Identifiers: Orphanet 369852, MedGen C3809031, MONDO:0014118, OMIM 615285.

Allele frequency attached by ClinVar (database versions not stated): gnomAD exomes below 0.00001; ExAC 0.00001.
gnomAD v4.1: 7 of 1,614,176 alleles (0.00043%); highest among the groups gnomAD compares: Non-Finnish European, 0.00059%; no homozygotes.

Submissions (3):

Ambry Genetics
Classification: Uncertain significance for Inborn genetic diseases. Last evaluated: 2024-11-21. Review status: criteria provided, single submitter. Criteria: Ambry Variant Classification Scheme 2023. Collection method: clinical testing. Allele origin: germline.

Labcorp Genetics (formerly Invitae), Labcorp
Classification: Uncertain significance for Congenital neutropenia-myelofibrosis-nephromegaly syndrome. Last evaluated: 2022-05-29. Review status: criteria provided, single submitter. Criteria: Invitae Variant Classification Sherloc (09022015). Collection method: clinical testing. Allele origin: germline.
Comment: This sequence change replaces leucine, which is neutral and non-polar, with isoleucine, which is neutral and non-polar, at codon 25 of the VPS45 protein (p.Leu25Ile). This variant is present in population databases (rs782367453, gnomAD 0.0009%). This variant has not been reported in the literature in individuals affected with VPS45-related conditions. ClinVar contains an entry for this variant (Variation ID: 1002565). Algorithms developed to predict the effect of missense changes on protein structure and function are either unavailable or do not agree on the potential impact of this missense change (SIFT: "Tolerated"; PolyPhen-2: "Possibly Damaging"; Align-GVGD: "Class C0"). Algorithms developed to predict the effect of sequence changes on RNA splicing suggest that this variant may create or strengthen a splice site. In summary, the available evidence is currently insufficient to determine the role of this variant in disease. Therefore, it has been classified as a Variant of Uncertain Significance.

Dr. Peter K. Rogan Lab, Western University
No classification provided (evidence only). Condition: Clear cell carcinoma of kidney. Review status: no classification provided. Collection method: in vitro. Allele origin: not applicable. Functional consequence: retained intron. Not counted in ClinVar's aggregate classification.

NM_007259.5(VPS45):c.73C>A (p.Leu25Ile)

Gene: VPS45 (vacuolar protein sorting 45 homolog; plus strand). Cytogenetic location: 1q21.2.
Variant type: single nucleotide variant.
Coding change: c.73C>A on transcript NM_007259.5 (MANE Select); coding-DNA position 73, C replaced by A.
Protein change: p.Leu25Ile; replaces leucine 25 with isoleucine.
Molecular consequence: missense variant. On other transcripts: 5 prime UTR variant (1), non-coding transcript variant (1), intron variant (1).
Genome position (GRCh38, 1-based): chr1:150,067,930, C>A. VCF-style: chr1-150067930-C-A. GRCh37 (hg19) VCF-style: chr1-150039987-C-A.
Other names: c.73C>A (NM_007259.3); c.-56C>A (NM_001279354.2); c.-16+324C>A (NM_001279353.2); short protein forms L25I.
Identifiers: ClinVar variation 1002565 (VCV001002565.8), dbSNP rs782367453, ClinGen allele CA1073025.
Genomic context (GRCh38, chr1:150,067,930, plus strand): 5'-TTTGCTGTGAAGCAGTACATTTCCAAAATGATAGAGGACAGCGGGCCTGGTATGAAAGTA[C>A]TTCTCATGGATAAAGAGACGGTGAGTTTGCTTTTGCTCAGCATTTGTGAAGGAACCCTCT-3'
Protein context (NP_009190.2, residues 15-35): IEDSGPGMKV[Leu25Ile]LMDKETTGIV